The following is an entry in ClinVar:

ClinVar aggregate classification (germline): not provided (0 of 4 stars; one submission).

Submission:

ITMI
No classification provided. Condition: AllHighlyPenetrant. Last evaluated: 2013-09-19. Review status: no classification provided. Collection method: reference population. Allele origin: germline.
Comment: Please see associated publication for description of ethnicities

Literature cited by the submitters: PubMed 24728327.

NM_002253.4(KDR):c.2305G>A (p.Val769Ile)

Gene: KDR (kinase insert domain receptor; minus strand). Cytogenetic location: 4q12.
Variant type: single nucleotide variant.
Coding change: c.2305G>A on transcript NM_002253.4 (MANE Select); coding-DNA position 2305, G replaced by A.
Protein change: p.Val769Ile; replaces valine 769 with isoleucine.
Molecular consequence: missense variant.
Genome position (GRCh38, 1-based): chr4:55,098,765, C>T on the plus strand (G>A on the coding strand, the complement: KDR is on the minus strand). VCF-style: chr4-55098765-C-T. GRCh37 (hg19) VCF-style: chr4-55964932-C-T.
Other names: short protein forms V769I.
Identifiers: ClinVar variation 134607 (VCV000134607.1), dbSNP rs587778425, ClinGen allele CA160319.